The following is an entry in ClinVar:

NM_004560.4(ROR2):c.2155G>A (p.Ala719Thr)

Gene: ROR2 (receptor tyrosine kinase like orphan receptor 2; minus strand). Cytogenetic location: 9q22.31.
Variant type: single nucleotide variant.
Coding change: c.2155G>A on transcript NM_004560.4 (MANE Select); coding-DNA position 2155, G replaced by A.
Protein change: p.Ala719Thr; replaces alanine 719 with threonine.
Molecular consequence: missense variant.
Genome position (GRCh38, 1-based): chr9:91,724,339, C>T on the plus strand (G>A on the coding strand, the complement: ROR2 is on the minus strand). VCF-style: chr9-91724339-C-T. GRCh37 (hg19) VCF-style: chr9-94486621-C-T.
Other names: short protein forms A719T.
Identifiers: ClinVar variation 286325 (VCV000286325.11), dbSNP rs375448033, ClinGen allele CA5120471.

ClinVar aggregate classification (germline): Uncertain significance. Review status: criteria provided, multiple submitters, no conflicts (2 of 4 stars). 3 submissions from 3 submitters: Uncertain significance (3). Last evaluated 2024-08-21.

Conditions:
Brachydactyly type B1 (BDB1). Identifiers: Orphanet 572385, Orphanet 93383, MedGen C1862112, MONDO:0007220, OMIM 113000.
Autosomal recessive Robinow syndrome (RRS1). Also called: COSTOVERTEBRAL SEGMENTATION DEFECT WITH MESOMELIA; COVESDEM SYNDROME; ROBINOW SYNDROME, AUTOSOMAL RECESSIVE 1; ROR2-Related Robinow Syndrome. Identifiers: Orphanet 1507, Orphanet 97360, MedGen C5399974, MONDO:0009999, OMIM 268310.

Allele frequency attached by ClinVar (database versions not stated): gnomAD 0.00001; TOPMed 0.00002; ESP Exome Variant Server 0.00008.
gnomAD v4.1: 27 of 1,613,230 alleles (0.0017%); highest among the groups gnomAD compares: South Asian, 0.0088%; no homozygotes.

Submissions (3):

Labcorp Genetics (formerly Invitae), Labcorp
Classification: Uncertain significance. Last evaluated: 2024-08-21. Review status: criteria provided, single submitter. Criteria: Invitae Variant Classification Sherloc (09022015). Collection method: clinical testing. Allele origin: germline.
Comment: This sequence change replaces alanine, which is neutral and non-polar, with threonine, which is neutral and polar, at codon 719 of the ROR2 protein (p.Ala719Thr). This variant is present in population databases (rs375448033, gnomAD 0.01%). This variant has not been reported in the literature in individuals affected with ROR2-related conditions. ClinVar contains an entry for this variant (Variation ID: 286325). Invitae Evidence Modeling of protein sequence and biophysical properties (such as structural, functional, and spatial information, amino acid conservation, physicochemical variation, residue mobility, and thermodynamic stability) indicates that this missense variant is not expected to disrupt ROR2 protein function with a negative predictive value of 80%. In summary, the available evidence is currently insufficient to determine the role of this variant in disease. Therefore, it has been classified as a Variant of Uncertain Significance.

Fulgent Genetics
Classification: Uncertain significance for Brachydactyly type B1; Autosomal recessive Robinow syndrome. Last evaluated: 2022-03-23. Review status: criteria provided, single submitter. Criteria: ACMG Guidelines, 2015. Collection method: clinical testing. Allele origin: unknown.

Eurofins Ntd Llc (ga)
Classification: Uncertain significance. Last evaluated: 2016-02-12. Review status: criteria provided, single submitter. Criteria: EGL Classification Definitions 2015. Collection method: clinical testing. Allele origin: germline. Observed: 1 variant allele, 1 heterozygote.